The following is an entry in ClinVar:

ClinVar aggregate classification (germline): Uncertain significance. Review status: criteria provided, multiple submitters, no conflicts (2 of 4 stars). 2 submissions from 2 submitters: Uncertain significance (2). Last evaluated 2026-06-04.

Conditions:
Familial temporal lobe epilepsy 7. Identifiers: Orphanet 101046, MedGen C4225327, MONDO:0014639, OMIM 616436.
Norman-Roberts syndrome (LIS2). Also called: Lissencephaly 2 (Norman-Roberts type). Identifiers: Orphanet 89844, MedGen C0796089, MONDO:0009760, OMIM 257320.
Inborn genetic diseases. Identifiers: MedGen C0950123, MeSH D030342.

gnomAD v4.1: 4 of 1,612,960 alleles (0.00025%); highest among the groups gnomAD compares: Non-Finnish European, 0.00034%; no homozygotes.

Submissions (2):

Ambry Genetics
Classification: Uncertain significance for Inborn genetic diseases. Last evaluated: 2026-06-04. Review status: criteria provided, single submitter. Criteria: Ambry Variant Classification Scheme 2023. Collection method: clinical testing. Allele origin: germline.

Labcorp Genetics (formerly Invitae), Labcorp
Classification: Uncertain significance for Familial temporal lobe epilepsy 7; Norman-Roberts syndrome. Last evaluated: 2022-12-06. Review status: criteria provided, single submitter. Criteria: Invitae Variant Classification Sherloc (09022015). Collection method: clinical testing. Allele origin: germline.
Comment: Advanced modeling of protein sequence and biophysical properties (such as structural, functional, and spatial information, amino acid conservation, physicochemical variation, residue mobility, and thermodynamic stability) performed at Invitae indicates that this missense variant is not expected to disrupt RELN protein function. This variant is not present in population databases (gnomAD no frequency). This variant has not been reported in the literature in individuals affected with RELN-related conditions. ClinVar contains an entry for this variant (Variation ID: 1003815). In summary, the available evidence is currently insufficient to determine the role of this variant in disease. Therefore, it has been classified as a Variant of Uncertain Significance. This sequence change replaces arginine, which is basic and polar, with glycine, which is neutral and non-polar, at codon 646 of the RELN protein (p.Arg646Gly).

NM_005045.4(RELN):c.1936C>G (p.Arg646Gly)

Gene: RELN (reelin; minus strand). Cytogenetic location: 7q22.1.
Variant type: single nucleotide variant.
Coding change: c.1936C>G on transcript NM_005045.4 (MANE Select); coding-DNA position 1936, C replaced by G.
Protein change: p.Arg646Gly; replaces arginine 646 with glycine.
Molecular consequence: missense variant.
Genome position (GRCh38, 1-based): chr7:103,650,340, G>C on the plus strand (C>G on the coding strand, the complement: RELN is on the minus strand). VCF-style: chr7-103650340-G-C. GRCh37 (hg19) VCF-style: chr7-103290787-G-C.
Other names: c.1936C>G (NM_005045.3); c.1936C>G, p.Arg646Gly (NM_173054.3); short protein forms R646G.
Identifiers: ClinVar variation 1003815 (VCV001003815.9), dbSNP rs115831287, ClinGen allele CA368764104.
Genomic context (GRCh38, chr7:103,650,340, plus strand): 5'-CAATTGCCCACATGTTTCCAAGGATTGGTCCTGTTTGTCTCCAGCGAATCCTGGTGTTCC[G>C]GGTTAGTGCTGCGTTAGGAAGGGGAATTGTTATTCGGTTCCACCTGCAAGAAATTTAGCA-3'
Protein context (NP_005036.2, residues 636-656): TIPLPNAALT[Arg646Gly]NTRIRWRQTG